The following is an entry in ClinVar:

NM_199420.4(POLQ):c.1018G>A (p.Val340Ile)

Gene: POLQ (DNA polymerase theta; minus strand). Cytogenetic location: 3q13.33.
Variant type: single nucleotide variant.
Coding change: c.1018G>A on transcript NM_199420.4 (MANE Select); coding-DNA position 1018, G replaced by A.
Protein change: p.Val340Ile; replaces valine 340 with isoleucine.
Molecular consequence: missense variant.
Genome position (GRCh38, 1-based): chr3:121,529,735, C>T on the plus strand (G>A on the coding strand, the complement: POLQ is on the minus strand). VCF-style: chr3-121529735-C-T. GRCh37 (hg19) VCF-style: chr3-121248582-C-T.
Other names: short protein forms V340I.
Identifiers: ClinVar variation 1750766 (VCV001750766.2), dbSNP rs781494814, ClinGen allele CA2563662.
Genomic context (GRCh38, chr3:121,529,735, plus strand): 5'-CTCGAGCAATGATATCTGCCAGCTTCTCACACCATTTCTTTGATGGACAAAAAAGTAATA[C>T]TGAATGGTTATCACAAATCGTCTCATAACATAAACTAACAACATGGTCCTCATCTCCCTA-3'
Protein context (NP_955452.3, residues 330-350): CYETICDNHS[Val340Ile]LLFCPSKKWC

ClinVar aggregate classification (germline): Uncertain significance (1 of 4 stars; one submission).

Allele frequency attached by ClinVar (database versions not stated): ExAC 0.00001.

Submission:

Ambry Genetics
Classification: Uncertain significance. Last evaluated: 2022-04-09. Review status: criteria provided, single submitter. Criteria: Ambry Variant Classification Scheme 2023. Collection method: clinical testing. Allele origin: germline.
Comment: The p.V340I variant (also known as c.1018G>A), located in coding exon 7 of the POLQ gene, results from a G to A substitution at nucleotide position 1018. The valine at codon 340 is replaced by isoleucine, an amino acid with highly similar properties. This amino acid position is conserved. In addition, this alteration is predicted to be tolerated by in silico analysis. Since supporting evidence is limited at this time, the clinical significance of this alteration remains unclear.